The following is an entry in ClinVar:

ClinVar aggregate classification (germline): Likely benign (1 of 4 stars; one submission).

Conditions:
Oroticaciduria. Also called: Orotic aciduria. Identifiers: Orphanet 30, MedGen C0268128, HP:0003218.

Allele frequency attached by ClinVar (database versions not stated): TOPMed 0.01112; gnomAD exomes 0.01480 and 0.01277; 1000 Genomes Project 30x 0.00890; 1000 Genomes Project 0.00859; gnomAD 0.01008 and 0.00976; ExAC 0.00885.
gnomAD v4.1: 5,350 of 454,030 alleles (1.2%); highest among the groups gnomAD compares: Admixed American, 3.6%; 82 homozygotes.

Submission:

Illumina Laboratory Services, Illumina
Classification: Likely benign for Hereditary orotic aciduria. Last evaluated: 2018-01-13. Review status: criteria provided, single submitter. Criteria: ICSL Variant Classification Criteria 13 December 2019. Collection method: clinical testing. Allele origin: germline.
Comment: This variant was observed in the ICSL laboratory as part of a predisposition screen in an ostensibly healthy population. It had not been previously curated by ICSL or reported in the Human Gene Mutation Database (HGMD: prior to June 1st, 2018), and was therefore a candidate for classification through an automated scoring system. Utilizing variant allele frequency, disease prevalence and penetrance estimates, and inheritance mode, an automated score was calculated to assess if this variant is too frequent to cause the disease. Based on the score and internal cut-off values, a variant classified as likely benign is not then subjected to further curation. The score for this variant resulted in a classification of likely benign for this disease.

NM_000373.4(UMPS):c.*2884A>G

Gene: UMPS (uridine monophosphate synthetase; plus strand). Cytogenetic location: 3q21.2.
Variant type: single nucleotide variant.
Coding change: c.*2884A>G on transcript NM_000373.4 (MANE Select); 2884 bases downstream of the stop codon, A replaced by G.
Molecular consequence: 3 prime UTR variant. On other transcripts: non-coding transcript variant (2).
Genome position (GRCh38, 1-based): chr3:124,746,968, A>G. VCF-style: chr3-124746968-A-G. GRCh37 (hg19) VCF-style: chr3-124465815-A-G.
Identifiers: ClinVar variation 342989 (VCV000342989.5), dbSNP rs139426908, ClinGen allele CA2582077.
Genomic context (GRCh38, chr3:124,746,968, plus strand): 5'-TCACAGCCAGCCTGTGGATCTCAGTCCCAACACTCACCCTTGTGCTACTGAGTCAGCTCT[A>G]AGAAAATCTGCCAAAAGTAGGCCGAGGGCTGGTTTTTTGTTTTGTTTTGTTTGTTTGATA-3'